The following is an entry in ClinVar:

NM_024675.4(PALB2):c.3307G>A (p.Val1103Met)

Gene: PALB2 (partner and localizer of BRCA2; minus strand). Cytogenetic location: 16p12.2.
Variant type: single nucleotide variant.
Coding change: c.3307G>A on transcript NM_024675.4 (MANE Select); coding-DNA position 3307, G replaced by A.
Protein change: p.Val1103Met; replaces valine 1103 with methionine.
Molecular consequence: missense variant.
Genome position (GRCh38, 1-based): chr16:23,607,907, C>T on the plus strand (G>A on the coding strand, the complement: PALB2 is on the minus strand). VCF-style: chr16-23607907-C-T. GRCh37 (hg19) VCF-style: chr16-23619228-C-T.
Other names: p.V1103M:GTG>ATG; short protein forms V1103M.
Identifiers: ClinVar variation 126732 (VCV000126732.55), dbSNP rs201657283, ClinGen allele CA288475.

ClinVar aggregate classification (germline): Conflicting classifications of pathogenicity. Review status: criteria provided, conflicting classifications (1 of 4 stars). 16 submissions from 16 submitters: Uncertain significance (7); Likely benign (7). 2 of the submissions do not count toward it. Last evaluated 2026-09-23.

Conditions:
Breast-ovarian cancer, familial, susceptibility to, 5 (BROVCA5). Identifiers: MedGen C5830615, MONDO:0957530, OMIM 620442.
PALB2-related disorder. Also called: PALB2-related disorders; PALB2-related condition.
Hereditary cancer-predisposing syndrome. Also called: Neoplastic Syndromes, Hereditary; Tumor predisposition; Hereditary Cancer Syndrome; Hereditary neoplastic syndrome. Identifiers: Orphanet 140162, MedGen C0027672, MeSH D009386, MONDO:0015356.
Hereditary breast ovarian cancer syndrome. Also called: BRCA1- and BRCA2-Associated Hereditary Breast and Ovarian Cancer; Hereditary breast and ovarian cancer; Hereditary breast and ovarian cancer syndrome; Hereditary breast and ovarian cancer syndrome (HBOC); Breast and ovarian cancer; Hereditary breast and/or ovarian cancer syndrome. Identifiers: Orphanet 145, MedGen C0677776, MeSH D061325, MONDO:0003582. Disease mechanism: loss of function.
Familial cancer of breast. Also called: hereditary breast carcinoma; Hereditary breast cancer; BREAST CANCER, FAMILIAL. Identifiers: Orphanet 227535, MedGen C0346153, MONDO:0016419, OMIM 114480. Disease mechanism: loss of function.

Allele frequency attached by ClinVar (database versions not stated): TOPMed 0.00006; ESP Exome Variant Server 0.00015.
gnomAD v4.1: 125 of 1,614,128 alleles (0.0077%); highest among the groups gnomAD compares: East Asian, 0.045%; no homozygotes.

Submissions (16):

PreventionGenetics, part of Exact Sciences
Classification: Likely benign for PALB2-related condition. Last evaluated: 2026-09-23. Review status: criteria provided, single submitter. Criteria: ACMG Guidelines, 2015. Collection method: clinical testing. Allele origin: germline.
Comment: This variant is classified as likely benign based on ACMG/AMP sequence variant interpretation guidelines (Richards et al. 2015 PMID: 25741868, with internal and published modifications).

Labcorp Genetics (formerly Invitae), Labcorp
Classification: Likely benign for Familial cancer of breast. Last evaluated: 2026-01-29. Review status: criteria provided, single submitter. Criteria: Invitae Variant Classification Sherloc (09022015). Collection method: clinical testing. Allele origin: germline.

Quest Diagnostics Nichols Institute San Juan Capistrano
Classification: Likely benign. Last evaluated: 2025-07-31. Review status: criteria provided, single submitter. Criteria: Quest Diagnostics criteria. Collection method: clinical testing. Allele origin: unknown.

Women's Health and Genetics/Laboratory Corporation of America, LabCorp
Classification: Likely benign. Last evaluated: 2025-05-13. Review status: criteria provided, single submitter. Criteria: LabCorp Variant Classification Summary - May 2015. Collection method: clinical testing. Allele origin: germline.
Comment: Variant summary: PALB2 c.3307G>A (p.Val1103Met) results in a conservative amino acid change located in the Partner and localiser of BRCA2, WD40 domain (IPR031920) of the encoded protein sequence. Algorithms developed to predict the effect of missense changes on protein structure and function all suggest that this variant is likely to be tolerated. The variant allele was found at a frequency of 8.9e-05 in 1665586 control chromosomes, predominantly at a frequency of 0.00045 within the East Asian subpopulation in the gnomAD database. The observed variant frequency within East Asian control individuals in the gnomAD database is approximately 2.9 fold of the estimated maximal expected allele frequency for a pathogenic variant in PALB2 causing Hereditary Breast And Ovarian Cancer Syndrome phenotype (0.00016). c.3307G>A has been reported in the literature in sequencing studies reporting individuals affected with Hereditary Breast And Ovarian Cancer (e.g. Casadei_2011, Gonzalez-Garay_2013, Thompson_2015, Kim_2017, Momozawa_2018), individuals undergoing multigene panel testing for Lynch syndrome (e.g. Thompson_2015), extra hepatic bile duct cancer (e.g. Terashima_2019), in male and female control cohorts of unaffected Japanese individuals (e.g. Momozawa_2018) and was classified as benign in a study evaluating population-based screening for hereditary colorectal cancer variants in Japan (Fujita_2020). These reports do not provide unequivocal conclusions about association of the variant with Hereditary Breast And Ovarian Cancer Syndrome. At least one publication reports experimental evidence evaluating an impact on protein function. These results showed no damaging effect of this variant. The following publications have been ascertained in the context of this evaluation (PMID: 24082139, 25980754, 21285249, 26283626, 27783279, 30287823, 31666926, 31636395, 33309985). ClinVar contains an entry for this variant (Variation ID: 126732). Based on the evidence outlined above, the variant was classified as likely benign.

Center for Genomic Medicine, Rigshospitalet, Copenhagen University Hospital
Classification: Uncertain significance. Last evaluated: 2025-03-04. Review status: criteria provided, single submitter. Criteria: ACMG Guidelines, 2015. Collection method: clinical testing. Allele origin: germline.

Myriad Genetics, Inc.
Classification: Likely benign for Familial cancer of breast. Last evaluated: 2025-01-22. Review status: criteria provided, single submitter. Criteria: Myriad Autosomal Dominant, Autosomal Recessive and X-Linked Classification Criteria (2023). Collection method: clinical testing. Allele origin: unknown.
Comment: This variant is considered likely benign. This variant has been observed in trans with a known pathogenic variant in one or more individuals lacking clinical features consistent with gene-specific recessive disease.

Department of Pathology and Laboratory Medicine, Sinai Health System
Classification: Uncertain significance for Breast-ovarian cancer, familial, susceptibility to, 5. Last evaluated: 2022-08-24. Review status: criteria provided, single submitter. Criteria: ACMG Guidelines, 2015. Collection method: clinical testing. Allele origin: germline. Affected: yes.

GeneDx
Classification: Uncertain significance. Last evaluated: 2022-06-13. Review status: criteria provided, single submitter. Criteria: GeneDx Variant Classification Process June 2021. Collection method: clinical testing. Allele origin: germline. Affected: yes.
Comment: In silico analysis supports that this missense variant does not alter protein structure/function; Published functional studies demonstrate homology-directed repair comparable to wild-type (Wiltshire 2020); Observed in individuals with breast and other cancers as well as unaffected controls (Casadei 2011, Gonzalez-Garay 2013, Thompson 2015, Yurgelun 2015, Kim 2017, Momozawa 2018, Fujita 2020, Song 2021); This variant is associated with the following publications: (PMID: 21285249, 24082139, 26283626, 25980754, 27783279, 30287823, 32566746, 32546565, 27535533, 33309985, 31636395, 19609323, 20871615, 24485656)

Sema4
Classification: Uncertain significance for Hereditary cancer-predisposing syndrome. Last evaluated: 2021-11-01. Review status: criteria provided, single submitter. Criteria: Sema4 Curation Guidelines. Collection method: curation. Allele origin: germline.
Comment: The PALB2 c.3307G>A (p.V1103M) variant has been reported in heterozygosity in individuals with personal or family breast cancer (PMID: 21285249, 24082139, 27783279, 26283626, 30287823, 33471991). An homology directed repair study demonstrated the normal function of the protein (PMID: 31636395). In silico tools suggest the impact of the variant on protein function is benign. It was observed in 5/18394 chromosomes of the East Asian subpopulation in the large and broad cohorts of the Genome Aggregation Database (PMID: 32461654). The variant has been reported in ClinVar (Variation ID 126732). The evidence is insufficient to meet ACMG/AMP criteria for classifying the variant as benign or pathogenic. Thus, the clinical significance of this variant is currently uncertain.

Mendelics
Classification: Uncertain significance for Familial cancer of breast. Last evaluated: 2019-05-28. Review status: criteria provided, single submitter. Criteria: Mendelics Assertion Criteria 2017. Collection method: clinical testing. Allele origin: unknown.

Cancer Genomics Group, Japanese Foundation For Cancer Research
Classification: Uncertain significance for Hereditary breast and ovarian cancer syndrome. Last evaluated: 2019-05-01. Review status: criteria provided, single submitter. Criteria: ACMG Guidelines, 2015. Collection method: research. Allele origin: germline. Affected: yes.

Ambry Genetics
Classification: Likely benign for Hereditary cancer-predisposing syndrome. Last evaluated: 2019-02-22. Review status: criteria provided, single submitter. Criteria: Ambry Variant Classification Scheme 2023. Collection method: clinical testing. Allele origin: germline.

Cancer Genetics Laboratory, Peter MacCallum Cancer Centre
Classification: Uncertain significance for Familial cancer of breast. Last evaluated: 2015-06-01. Review status: criteria provided, single submitter. Criteria: Thompson et al. (Breast Cancer Res. 2015). Collection method: case-control. Allele origin: germline. Affected: yes. Observed: 1 variant allele, 1 heterozygote.

Color Diagnostics, LLC DBA Color Health
Classification: Likely benign for Hereditary cancer-predisposing syndrome. Last evaluated: 2015-01-29. Review status: criteria provided, single submitter. Criteria: ACMG Guidelines, 2015. Collection method: clinical testing. Allele origin: germline.

Genetic Services Laboratory, University of Chicago
Classification: Uncertain significance. Last evaluated: 2022-06-27. Review status: no assertion criteria provided. Collection method: clinical testing. Allele origin: germline. Affected: no. Not counted in ClinVar's aggregate classification.
Comment: DNA sequence analysis of the PALB2 gene demonstrated a sequence change, c.3307G>A, in exon 12 that results in an amino acid change, p.Val1103Met. This sequence change has been previously described in individuals with breast and other cancers as well as in a control population (PMID: 21285249, 27783279, 3028782 , 26283626, 33309985). Experimental studies showed no damaging effect of this variant on homology directed repair (HDR) activity of PALB2 (PMID: 31636395). This sequence change has been described in the gnomAD database with a global population frequency of 0.005% (dbSNP rs201657283). The p.Val1103Met change affects a moderately conserved amino acid residue located in a domain of the PALB2 protein that is not known to be functional. In-silico pathogenicity prediction tools (SIFT, PolyPhen2, Align GVGD, REVEL) provide contradictory results for the p.Val1103Met substitution. Due to insufficient evidences the clinical significance of the p.Val1103Met change remains unknown at this time.

Leiden Open Variation Database
Classification: Uncertain significance for Familial cancer of breast. Last evaluated: 2019-05-13. Review status: no assertion criteria provided. Collection method: curation. Allele origin: germline. Affected: no. Not counted in ClinVar's aggregate classification.
Comment: Curators: Marc Tischkowitz, Arleen D. Auerbach. Submitters to LOVD: Marc Tischkowitz, Yukihide Momozawa.

Literature cited by the submitters: PubMed 33309985 (cited by Quest Diagnostics Nichols Institute San Juan Capistrano and Women's Health and Genetics/Laboratory Corporation of America, LabCorp); PubMed 31636395 (cited by 4 submitters); PubMed 31666926 (cited by Quest Diagnostics Nichols Institute San Juan Capistrano and Women's Health and Genetics/Laboratory Corporation of America, LabCorp); PubMed 30287823 (cited by 5 submitters); PubMed 36243179 (cited by Quest Diagnostics Nichols Institute San Juan Capistrano); PubMed 21285249 (cited by 5 submitters); PubMed 26283626 (cited by 5 submitters); PubMed 24082139 (cited by 4 submitters); PubMed 27783279 (cited by 4 submitters); PubMed 25980754 (cited by 3 submitters); PubMed 33471991 (cited by Department of Pathology and Laboratory Medicine, Sinai Health System and Sema4).